The following is an entry in ClinVar:

NM_023110.3(FGFR1):c.245C>T (p.Thr82Ile)

Gene: FGFR1 (fibroblast growth factor receptor 1; minus strand). Cytogenetic location: 8p11.23.
Variant type: single nucleotide variant.
Coding change: c.245C>T on transcript NM_023110.3 (MANE Select); coding-DNA position 245, C replaced by T.
Protein change: p.Thr82Ile; replaces threonine 82 with isoleucine.
Molecular consequence: missense variant. On other transcripts: intron variant (5).
Genome position (GRCh38, 1-based): chr8:38,429,795, G>A on the plus strand (C>T on the coding strand, the complement: FGFR1 is on the minus strand). VCF-style: chr8-38429795-G-A. GRCh37 (hg19) VCF-style: chr8-38287313-G-A.
Other names: c.245C>T, p.Thr82Ile (NM_000604.2, NM_001174063.2, NM_001174065.2 and 4 more transcripts); c.221C>T, p.Thr74Ile (NM_001174064.2); c.344C>T, p.Thr115Ile (NM_001174067.2); c.92-1360C>T (NM_001354368.2, NM_001354370.2, NM_023106.3 and 2 more transcripts); short protein forms T82I, T115I, T74I.
Identifiers: ClinVar variation 2082571 (VCV002082571.4), dbSNP rs760780809, ClinGen allele CA370736360.
Genomic context (GRCh38, chr8:38,429,795, plus strand): 5'-ACGCAAGCATAGAGGCCGGAGTCTGCGGGCACGGAGTCCTGCACCTCCACCTCCTCCCCT[G>A]TGATGCGGGTGCGGTTGCTTTCCGCCAGCTGCACCCCGTCCCGCAGCCAGTTGATGCTCT-3'
Protein context (NP_075598.2, residues 72-92): QLAESNRTRI[Thr82Ile]GEEVEVQDSV

ClinVar aggregate classification (germline): Uncertain significance (1 of 4 stars; one submission).

Conditions:
Hypogonadotropic hypogonadism 2 with or without anosmia (HH2). Also called: FGFR1-Related GnRH Deficiency (Kallmann Syndrome 2); HYPOGONADOTROPIC HYPOGONADISM 2 WITH OR WITHOUT ANOSMIA, SUSCEPTIBILITY TO; HYPOGONADOTROPIC HYPOGONADISM 2 WITHOUT ANOSMIA, SUSCEPTIBILITY TO; HYPOGONADOTROPIC HYPOGONADISM 2 WITHOUT ANOSMIA. Identifiers: Orphanet 478, MedGen C1563720, MONDO:0007844, OMIM 147950. Disease mechanism: loss of function.
Pfeiffer syndrome (ACS5). Also called: ACS V. Identifiers: Orphanet 710, MedGen C0220658, MONDO:0007043, OMIM 101600.

gnomAD v4.1: 14 of 1,613,034 alleles (0.00087%); highest among the groups gnomAD compares: Admixed American, 0.0017%; no homozygotes.

Submission:

Labcorp Genetics (formerly Invitae), Labcorp
Classification: Uncertain significance for Pfeiffer syndrome; Hypogonadotropic hypogonadism 2 with or without anosmia. Last evaluated: 2022-08-03. Review status: criteria provided, single submitter. Criteria: Invitae Variant Classification Sherloc (09022015). Collection method: clinical testing. Allele origin: germline.
Comment: This variant has not been reported in the literature in individuals affected with FGFR1-related conditions. This sequence change replaces threonine, which is neutral and polar, with isoleucine, which is neutral and non-polar, at codon 82 of the FGFR1 protein (p.Thr82Ile). This variant is present in population databases (no rsID available, gnomAD 0.003%). Algorithms developed to predict the effect of missense changes on protein structure and function are either unavailable or do not agree on the potential impact of this missense change (SIFT: "Deleterious"; PolyPhen-2: "Possibly Damaging"; Align-GVGD: "Class C0"). In summary, the available evidence is currently insufficient to determine the role of this variant in disease. Therefore, it has been classified as a Variant of Uncertain Significance.